The following is an entry in ClinVar:

NM_003128.3(SPTBN1):c.5381T>C (p.Ile1794Thr)

Gene: SPTBN1 (spectrin beta, non-erythrocytic 1; plus strand). Cytogenetic location: 2p16.2.
Variant type: single nucleotide variant.
Coding change: c.5381T>C on transcript NM_003128.3 (MANE Select); coding-DNA position 5381, T replaced by C.
Protein change: p.Ile1794Thr; replaces isoleucine 1794 with threonine.
Molecular consequence: missense variant.
Genome position (GRCh38, 1-based): chr2:54,649,793, T>C. VCF-style: chr2-54649793-T-C. GRCh37 (hg19) VCF-style: chr2-54876930-T-C.
Other names: c.5342T>C, p.Ile1781Thr (NM_178313.3); short protein forms I1781T, I1794T.
Identifiers: ClinVar variation 3348726 (VCV003348726.3).

ClinVar aggregate classification (germline): Likely benign. Review status: criteria provided, multiple submitters, no conflicts (2 of 4 stars). 3 submissions from 3 submitters: Likely benign (2). 1 of the submissions does not count toward it. Last evaluated 2026-08-01.

Conditions:
Inborn genetic diseases. Identifiers: MedGen C0950123, MeSH D030342.
SPTBN1-related disorder. Also called: SPTBN1-related condition.

gnomAD v4.1: 152 of 1,614,188 alleles (0.0094%); highest among the groups gnomAD compares: Admixed American, 0.22%; no homozygotes.

Submissions (3):

CeGaT Center for Human Genetics Tuebingen
Classification: Likely benign. Last evaluated: 2026-08-01. Review status: criteria provided, single submitter. Criteria: CeGaT Center For Human Genetics Tuebingen Variant Classification Criteria Version 2. Collection method: clinical testing. Allele origin: germline. Affected: yes. Observed: 1 variant allele.
Comment: SPTBN1: BS1

Ambry Genetics
Classification: Likely benign for Inborn genetic diseases. Last evaluated: 2024-07-14. Review status: criteria provided, single submitter. Criteria: Ambry Variant Classification Scheme 2023. Collection method: clinical testing. Allele origin: germline.

PreventionGenetics, part of Exact Sciences
Classification: Likely benign for SPTBN1-related condition. Last evaluated: 2024-08-09. Review status: no assertion criteria provided. Collection method: clinical testing. Allele origin: germline. Not counted in ClinVar's aggregate classification.
Comment: This variant is classified as likely benign based on ACMG/AMP sequence variant interpretation guidelines (Richards et al. 2015 PMID: 25741868, with internal and published modifications).